The following is an entry in ClinVar:

NM_000277.3(PAH):c.190C>A (p.His64Asn)

Gene: PAH (phenylalanine hydroxylase; minus strand). Cytogenetic location: 12q23.2.
Variant type: single nucleotide variant.
Coding change: c.190C>A on transcript NM_000277.3 (MANE Select); coding-DNA position 190, C replaced by A.
Protein change: p.His64Asn; replaces histidine 64 with asparagine.
Molecular consequence: missense variant.
Genome position (GRCh38, 1-based): chr12:102,894,897, G>T on the plus strand (C>A on the coding strand, the complement: PAH is on the minus strand). VCF-style: chr12-102894897-G-T. GRCh37 (hg19) VCF-style: chr12-103288675-G-T.
Other names: NM_000277.2(PAH):c.190C>A; c.190C>A, p.His64Asn (NM_001354304.2); short protein forms H64N.
Identifiers: ClinVar variation 102620 (VCV000102620.2), dbSNP rs199475569, ClinGen allele CA229475.

ClinVar aggregate classification (germline): Uncertain significance. Review status: reviewed by expert panel (3 of 4 stars). 2 submissions from 2 submitters: Uncertain significance (1). 1 of the submissions does not count toward it. Last evaluated 2018-12-10.

Conditions:
Phenylketonuria (PKU). Also called: Phenylketonuria (PKU); FOLLING DISEASE; OLIGOPHRENIA PHENYLPYRUVICA; Phenylketonurias. Identifiers: Orphanet 716, MedGen C0031485, MONDO:0009861, OMIM 261600. Disease mechanism: loss of function.

Allele frequency attached by ClinVar (database versions not stated): gnomAD exomes below 0.00001.
gnomAD v4.1: 2 of 1,613,606 alleles (0.00012%); highest among the groups gnomAD compares: Non-Finnish European, 0.00017%; no homozygotes.

Submissions (2):

ClinGen PAH Variant Curation Expert Panel
Classification: Uncertain significance for Phenylketonuria. Last evaluated: 2018-12-10. Review status: reviewed by expert panel. Criteria: ClinGen PAH ACMG Specifications v1. Collection method: curation. Allele origin: germline. Inheritance: Autosomal recessive inheritance.
Comment: Serum Phe levels exceeded 600 umol/L and other causes of hyperphenylalaninemia had been ruled out. It was In cis with p.T63P. PMID: 8406445. The c.190C>A variant is absent from ExAC, gnomAD, 1000G, and ESP. A deleterious effect is predicted in SIFT, Polyphen-2, and MutationTaster. In summary, this variant meets criteria to be classified as uncertain significance for PAH. PAH-specific ACMG/AMP criteria applied: PP4_Moderate, PM2, PP3.

DeBelle Laboratory for Biochemical Genetics, MUHC/MCH RESEARCH INSTITUTE
No classification provided. Review status: no classification provided. Collection method: not provided. Allele origin: not provided. Not counted in ClinVar's aggregate classification.

Literature cited by the submitters: PubMed 8406445 (cited by ClinGen PAH Variant Curation Expert Panel).